The following is an entry in ClinVar:

ClinVar aggregate classification (germline): Pathogenic (1 of 4 stars; one submission).

Conditions:
Giant axonal neuropathy 1 (GAN1). Also called: GAN-Related Neurodegeneration; GIANT AXONAL NEUROPATHY 1, AUTOSOMAL RECESSIVE. Identifiers: Orphanet 643, MedGen C1850386, MONDO:0009749, OMIM 256850.

gnomAD v4.1: 1 of 1,612,872 alleles (0.000062%); highest among the groups gnomAD compares: Non-Finnish European, 0.000085%; no homozygotes.

Submission:

Labcorp Genetics (formerly Invitae), Labcorp
Classification: Pathogenic for Giant axonal neuropathy 1. Last evaluated: 2023-04-06. Review status: criteria provided, single submitter. Criteria: Invitae Variant Classification Sherloc (09022015). Collection method: clinical testing. Allele origin: germline.
Comment: This variant is not present in population databases (gnomAD no frequency). For these reasons, this variant has been classified as Pathogenic. This variant has not been reported in the literature in individuals affected with GAN-related conditions. This sequence change creates a premature translational stop signal (p.Tyr194*) in the GAN gene. It is expected to result in an absent or disrupted protein product. Loss-of-function variants in GAN are known to be pathogenic (PMID: 12655563, 14718689, 23890932).

Literature cited by the submitters: PubMed 12655563; PubMed 14718689; PubMed 23890932.

NM_022041.4(GAN):c.582T>A (p.Tyr194Ter)

Gene: GAN (gigaxonin; plus strand). Cytogenetic location: 16q23.2.
Variant type: single nucleotide variant.
Coding change: c.582T>A on transcript NM_022041.4 (MANE Select); coding-DNA position 582, T replaced by A.
Protein change: p.Tyr194Ter; replaces tyrosine 194 with a stop codon.
Molecular consequence: nonsense. On other transcripts: 5 prime UTR variant (1).
Genome position (GRCh38, 1-based): chr16:81,354,704, T>A. VCF-style: chr16-81354704-T-A. GRCh37 (hg19) VCF-style: chr16-81388309-T-A.
Other names: c.-58T>A (NM_001377486.1); short protein forms Y194*.
Identifiers: ClinVar variation 2839021 (VCV002839021.3), dbSNP rs142332207, ClinGen allele CA396869087.
Genomic context (GRCh38, chr16:81,354,704, plus strand): 5'-TCCTCAAAAGCTTAAAGAAGTGATTTCTCTTGAGAAGTTAAACGTTGGCAATGAAAGATA[T>A]GTCTTTGAAGCAGTAATTCGATGGATAGCACATGATACAGAAATAAGAAAGGTACCTGTC-3'